The following is an entry in ClinVar:

NM_000257.4(MYH7):c.802C>G (p.Leu268Val)

Gene: MYH7 (myosin heavy chain 7; minus strand). Cytogenetic location: 14q11.2.
Variant type: single nucleotide variant.
Coding change: c.802C>G on transcript NM_000257.4 (MANE Select); coding-DNA position 802, C replaced by G.
Protein change: p.Leu268Val; replaces leucine 268 with valine.
Molecular consequence: missense variant.
Genome position (GRCh38, 1-based): chr14:23,430,994, G>C on the plus strand (C>G on the coding strand, the complement: MYH7 is on the minus strand). VCF-style: chr14-23430994-G-C. GRCh37 (hg19) VCF-style: chr14-23900203-G-C.
Other names: c.802C>G, p.Leu268Val (NM_001407004.1); short protein forms L268V.
Identifiers: ClinVar variation 2038911 (VCV002038911.4), dbSNP rs2502310367, ClinGen allele CA389052013.

ClinVar aggregate classification (germline): Uncertain significance (1 of 4 stars; one submission).

Conditions:
Hypertrophic cardiomyopathy. Also called: HYPERTROPHIC MYOCARDIOPATHY. Identifiers: Orphanet 217569, MedGen C0007194, MeSH D002312, MONDO:0005045, HP:0001639.

Submission:

Labcorp Genetics (formerly Invitae), Labcorp
Classification: Uncertain significance for Hypertrophic cardiomyopathy. Last evaluated: 2021-12-09. Review status: criteria provided, single submitter. Criteria: Invitae Variant Classification Sherloc (09022015). Collection method: clinical testing. Allele origin: germline.
Comment: In summary, the available evidence is currently insufficient to determine the role of this variant in disease. Therefore, it has been classified as a Variant of Uncertain Significance. This variant is found within a region of MYH7 between codons 181 and 937 that contains the majority of the myosin head domain. Missense variants in this region have been shown to be significantly overrepresented in individuals with hypertrophic cardiomyopathy (PMID: 27532257). Algorithms developed to predict the effect of missense changes on protein structure and function are either unavailable or do not agree on the potential impact of this missense change (SIFT: "Deleterious"; PolyPhen-2: "Probably Damaging"; Align-GVGD: "Class C0"). This variant has not been reported in the literature in individuals affected with MYH7-related conditions. This variant is not present in population databases (gnomAD no frequency). This sequence change replaces leucine, which is neutral and non-polar, with valine, which is neutral and non-polar, at codon 268 of the MYH7 protein (p.Leu268Val).

Literature cited by the submitters: PubMed 27532257.